The following is an entry in ClinVar:

NM_015278.5(SASH1):c.1651T>G (p.Tyr551Asp)

Gene: SASH1 (SAM and SH3 domain containing 1; plus strand). Cytogenetic location: 6q25.1.
Variant type: single nucleotide variant.
Coding change: c.1651T>G on transcript NM_015278.5 (MANE Select); coding-DNA position 1651, T replaced by G.
Protein change: p.Tyr551Asp; replaces tyrosine 551 with aspartic acid.
Molecular consequence: missense variant.
Genome position (GRCh38, 1-based): chr6:148,532,883, T>G. VCF-style: chr6-148532883-T-G. GRCh37 (hg19) VCF-style: chr6-148854019-T-G.
Other names: c.1516T>G, p.Tyr506Asp (NM_001346505.2); c.1279T>G, p.Tyr427Asp (NM_001346506.2); c.934T>G, p.Tyr312Asp (NM_001346507.2); c.1423T>G, p.Tyr475Asp (NM_001346508.2); c.1300T>G, p.Tyr434Asp (NM_001346509.2); short protein forms Y551D, Y506D, Y434D, Y475D, Y312D, Y427D.
Identifiers: ClinVar variation 624625 (VCV000624625.2), dbSNP rs1562490566, ClinGen allele CA365988331.
Genomic context (GRCh38, chr6:148,532,883, plus strand): 5'-TCCTCAACCAGCAACCGGGAAAGCGTCAAGTCGGAAGATGGGGATGACGAAGAGCCGCCT[T>G]ACCGAGGCCCGTTCTGCGGGCGTGCCAGGGTGCACACCGACTTCACCCCCAGTCCCTATG-3'
Protein context (NP_056093.3, residues 541-561): SEDGDDEEPP[Tyr551Asp]RGPFCGRARV

ClinVar aggregate classification (germline): Likely pathogenic. Review status: criteria provided, single submitter (1 of 4 stars). 2 submissions from 2 submitters: Likely pathogenic (1). 1 of the submissions does not count toward it. Last evaluated 2019-10-18.

Conditions:
Dyschromatosis universalis hereditaria 1 (DUH1). Identifiers: MedGen C2675711, MONDO:0024524, OMIM 127500.

Submissions (2):

SIB Swiss Institute of Bioinformatics
Classification: Likely pathogenic for Dyschromatosis universalis hereditaria 1. Last evaluated: 2019-10-18. Review status: criteria provided, single submitter. Criteria: ACMG Guidelines, 2015. Collection method: curation. Allele origin: unknown.
Comment: This variant is interpreted as Likely pathogenic for Dyschromatosis universalis hereditaria 1, autosomal dominant. The following ACMG Tag(s) were applied: PM2, PP3, PS3.

OMIM
Classification: Pathogenic for DYSCHROMATOSIS UNIVERSALIS HEREDITARIA 1. Last evaluated: 2019-03-29. Review status: no assertion criteria provided. Collection method: literature only. Allele origin: germline. Not counted in ClinVar's aggregate classification.

Literature cited by the submitters: PubMed 23333244 (cited by SIB Swiss Institute of Bioinformatics and OMIM); PubMed 27885802 (cited by SIB Swiss Institute of Bioinformatics and OMIM).